The following is an entry in ClinVar:

NM_005228.5(EGFR):c.3060G>C (p.Gln1020His)

Gene: EGFR (epidermal growth factor receptor; plus strand). Cytogenetic location: 7p11.2.
Variant type: single nucleotide variant.
Coding change: c.3060G>C on transcript NM_005228.5 (MANE Select); coding-DNA position 3060, G replaced by C.
Protein change: p.Gln1020His; replaces glutamine 1020 with histidine.
Molecular consequence: missense variant.
Genome position (GRCh38, 1-based): chr7:55,201,301, G>C. VCF-style: chr7-55201301-G-C. GRCh37 (hg19) VCF-style: chr7-55268994-G-C.
Other names: c.3060G>C (NM_005228.3); c.2925G>C, p.Gln975His (NM_001346897.2, NM_001346899.2); c.3060G>C, p.Gln1020His (NM_001346898.2); c.2901G>C, p.Gln967His (NM_001346900.2); c.2259G>C, p.Gln753His (NM_001346941.2); short protein forms Q753H, Q975H, Q1020H, Q967H.
Identifiers: ClinVar variation 1438549 (VCV001438549.9), dbSNP rs2128971686, ClinGen allele CA367582586.
Genomic context (GRCh38, chr7:55,201,301, plus strand): 5'-CCTGATGGATGAAGAAGACATGGACGACGTGGTGGATGCCGACGAGTACCTCATCCCACA[G>C]CAGGGCTTCTTCAGCAGCCCCTCCACGTCACGGACTCCCCTCCTGAGCTCTCTGGTATGA-3'
Protein context (NP_005219.2, residues 1010-1030): VVDADEYLIP[Gln1020His]QGFFSSPSTS

ClinVar aggregate classification (germline): Uncertain significance. Review status: criteria provided, multiple submitters, no conflicts (2 of 4 stars). 2 submissions from 2 submitters: Uncertain significance (2). Last evaluated 2025-03-07.

Conditions:
Hereditary cancer-predisposing syndrome. Also called: Neoplastic Syndromes, Hereditary; Hereditary Cancer Syndrome; Hereditary neoplastic syndrome; Tumor predisposition. Identifiers: Orphanet 140162, MedGen C0027672, MeSH D009386, MONDO:0015356.
EGFR-related lung cancer (EGFR). Identifiers: MedGen CN130014.

Submissions (2):

Ambry Genetics
Classification: Uncertain significance for Hereditary cancer-predisposing syndrome. Last evaluated: 2025-03-07. Review status: criteria provided, single submitter. Criteria: Ambry Variant Classification Scheme 2023. Collection method: clinical testing. Allele origin: germline.
Comment: The p.Q1020H variant (also known as c.3060G>C), located in coding exon 25 of the EGFR gene, results from a G to C substitution at nucleotide position 3060. The glutamine at codon 1020 is replaced by histidine, an amino acid with highly similar properties. This amino acid position is not well conserved in available vertebrate species, and histidine is the reference amino acid in other vertebrate species. In addition, this alteration is predicted to be tolerated by in silico analysis. Based on the available evidence, the clinical significance of this variant remains unclear.

Labcorp Genetics (formerly Invitae), Labcorp
Classification: Uncertain significance for EGFR-related lung cancer. Last evaluated: 2020-11-16. Review status: criteria provided, single submitter. Criteria: Invitae Variant Classification Sherloc (09022015). Collection method: clinical testing. Allele origin: germline.
Comment: This variant has not been reported in the literature in individuals with EGFR-related conditions. Algorithms developed to predict the effect of missense changes on protein structure and function (SIFT, PolyPhen-2, Align-GVGD) all suggest that this variant is likely to be tolerated, but these predictions have not been confirmed by published functional studies and their clinical significance is uncertain. In summary, the available evidence is currently insufficient to determine the role of this variant in disease. Therefore, it has been classified as a Variant of Uncertain Significance. This variant is not present in population databases (ExAC no frequency). This sequence change replaces glutamine with histidine at codon 1020 of the EGFR protein (p.Gln1020His). The glutamine residue is weakly conserved and there is a small physicochemical difference between glutamine and histidine.